The following is an entry in ClinVar:

ClinVar aggregate classification (germline): Likely benign. Review status: criteria provided, multiple submitters, no conflicts (2 of 4 stars). 4 submissions from 4 submitters: Likely benign (3). 1 of the submissions does not count toward it. Last evaluated 2025-11-21.

Conditions:
CUBN-related disorder. Also called: CUBN-related condition.
Imerslund-Grasbeck syndrome. Also called: ENTEROCYTE COBALAMIN MALABSORPTION; ENTEROCYTE INTRINSIC FACTOR RECEPTOR, DEFECT OF; Imerslund-Gräsbeck syndrome; PERNICIOUS ANEMIA, JUVENILE, DUE TO SELECTIVE INTESTINAL MALABSORPTION OF VITAMIN B12, WITH PROTEINURIA; Megaloblastic anemia due to inborn errors of metabolism. Identifiers: Orphanet 35858, MedGen C4551825, MONDO:0009853.
Imerslund-Grasbeck syndrome type 1 (IGS1). Also called: Megaloblastic anemia 1, Finnish type; MEGALOBLASTIC ANEMIA, 1; Imerslund-Gräsbeck syndrome 1. Identifiers: MedGen C4016819, MONDO:0100156, OMIM 261100.

Allele frequency attached by ClinVar (database versions not stated): 1000 Genomes Project 30x 0.00031; TOPMed 0.00032; gnomAD exomes 0.00035; 1000 Genomes Project 0.00040; ExAC 0.00044; ESP Exome Variant Server 0.00008; gnomAD 0.00026 and 0.00028.
gnomAD v4.1: 227 of 1,613,504 alleles (0.014%); highest among the groups gnomAD compares: East Asian, 0.23%; 1 homozygote.

Submissions (4):

Labcorp Genetics (formerly Invitae), Labcorp
Classification: Likely benign for Imerslund-Grasbeck syndrome. Last evaluated: 2025-11-21. Review status: criteria provided, single submitter. Criteria: Invitae Variant Classification Sherloc (09022015). Collection method: clinical testing. Allele origin: germline.

Blueprint Genetics
Classification: Likely benign. Last evaluated: 2024-08-08. Review status: criteria provided, single submitter. Criteria: ACMG Guidelines, 2015. Collection method: clinical testing. Allele origin: germline.

Illumina Laboratory Services, Illumina
Classification: Likely benign for Imerslund-Grasbeck syndrome type 1. Last evaluated: 2018-01-12. Review status: criteria provided, single submitter. Criteria: ICSL Variant Classification Criteria 13 December 2019. Collection method: clinical testing. Allele origin: germline.
Comment: This variant was observed in the ICSL laboratory as part of a predisposition screen in an ostensibly healthy population. It had not been previously curated by ICSL or reported in the Human Gene Mutation Database (HGMD: prior to June 1st, 2018), and was therefore a candidate for classification through an automated scoring system. Utilizing variant allele frequency, disease prevalence and penetrance estimates, and inheritance mode, an automated score was calculated to assess if this variant is too frequent to cause the disease. Based on the score and internal cut-off values, a variant classified as likely benign is not then subjected to further curation. The score for this variant resulted in a classification of likely benign for this disease.

PreventionGenetics, part of Exact Sciences
Classification: Likely benign for CUBN-related condition. Last evaluated: 2022-03-02. Review status: no assertion criteria provided. Collection method: clinical testing. Allele origin: germline. Not counted in ClinVar's aggregate classification.
Comment: This variant is classified as likely benign based on ACMG/AMP sequence variant interpretation guidelines (Richards et al. 2015 PMID: 25741868, with internal and published modifications).

NM_001081.4(CUBN):c.1811C>T (p.Pro604Leu)

Gene: CUBN (cubilin; minus strand). Cytogenetic location: 10p13.
Variant type: single nucleotide variant.
Coding change: c.1811C>T on transcript NM_001081.4 (MANE Select); coding-DNA position 1811, C replaced by T.
Protein change: p.Pro604Leu; replaces proline 604 with leucine.
Molecular consequence: missense variant.
Genome position (GRCh38, 1-based): chr10:17,088,300, G>A on the plus strand (C>T on the coding strand, the complement: CUBN is on the minus strand). VCF-style: chr10-17088300-G-A. GRCh37 (hg19) VCF-style: chr10-17130299-G-A.
Other names: short protein forms P604L.
Identifiers: ClinVar variation 299520 (VCV000299520.16), dbSNP rs200537125, ClinGen allele CA5425181.